The following is an entry in ClinVar:

NM_000128.4(F11):c.296C>A (p.Ser99Tyr)

Gene: F11 (coagulation factor XI; plus strand). Cytogenetic location: 4q35.2.
Variant type: single nucleotide variant.
Coding change: c.296C>A on transcript NM_000128.4 (MANE Select); coding-DNA position 296, C replaced by A.
Protein change: p.Ser99Tyr; replaces serine 99 with tyrosine.
Molecular consequence: missense variant.
Genome position (GRCh38, 1-based): chr4:186,273,148, C>A. VCF-style: chr4-186273148-C-A. GRCh37 (hg19) VCF-style: chr4-187194302-C-A.
Other names: c.296C>A, p.Ser99Tyr (NM_001354804.2); short protein forms S99Y.
Identifiers: ClinVar variation 3366621 (VCV003366621.1).

ClinVar aggregate classification (germline): Uncertain significance (1 of 4 stars; one submission).

Submission:

Women's Health and Genetics/Laboratory Corporation of America, LabCorp
Classification: Uncertain significance. Last evaluated: 2024-08-23. Review status: criteria provided, single submitter. Criteria: LabCorp Variant Classification Summary - May 2015. Collection method: clinical testing. Allele origin: germline.
Comment: Variant summary: F11 c.296C>A (p.Ser99Tyr) results in a non-conservative amino acid change located in the Apple domain (IPR000177) of the encoded protein sequence. Five of five in-silico tools predict a damaging effect of the variant on protein function. The variant allele was found at a frequency of 4e-06 in 251272 control chromosomes. The available data on variant occurrences in the general population are insufficient to allow any conclusion about variant significance. c.296C>A has been reported in the literature in individuals affected with Hereditary factor XI deficiency disease without evidence of causality (e.g. Harris_2021). This report do not provide unequivocal conclusions about association of the variant with Hereditary factor XI deficiency disease. To our knowledge, no experimental evidence demonstrating an impact on protein function has been reported. No submitters have cited clinical-significance assessments for this variant to ClinVar. Based on the evidence outlined above, the variant was classified as uncertain significance.

Literature cited by the submitters: PubMed 35059554.